The following is an entry in ClinVar:

ClinVar aggregate classification (germline): Pathogenic (1 of 4 stars; one submission).

Submission:

Mayo Clinic Laboratories, Mayo Clinic
Classification: Pathogenic. Last evaluated: 2025-04-28. Review status: criteria provided, single submitter. Criteria: ACMG Guidelines, 2015. Collection method: clinical testing. Allele origin: germline. Observed: 1 variant allele.
Comment: PM2_supporting, PS1_supporting, PVS1

Literature cited by the submitters: PubMed 26466767.

NM_000313.4(PROS1):c.965+1G>A

Gene: PROS1 (protein S; minus strand). Cytogenetic location: 3q11.1.
Variant type: single nucleotide variant.
Coding change: c.965+1G>A on transcript NM_000313.4 (MANE Select); the canonical splice donor site of the intron after coding-DNA position 965, G replaced by A.
Molecular consequence: splice donor variant.
Genome position (GRCh38, 1-based): chr3:93,896,575, C>T on the plus strand (G>A on the coding strand, the complement: PROS1 is on the minus strand). VCF-style: chr3-93896575-C-T. GRCh37 (hg19) VCF-style: chr3-93615419-C-T.
Other names: p.?; c.1061+1G>A (NM_001314077.2).
Identifiers: ClinVar variation 4540899 (VCV004540899.1).